The following is an entry in ClinVar:

ClinVar aggregate classification (germline): Pathogenic/Likely pathogenic. Review status: criteria provided, multiple submitters, no conflicts (2 of 4 stars). 7 submissions from 7 submitters: Pathogenic (4); Likely pathogenic (3). Last evaluated 2025-10-29.

Conditions:
Developmental and epileptic encephalopathy, 42 (DEE42A). Also called: Epileptic encephalopathy, early infantile, 42; DEVELOPMENTAL AND EPILEPTIC ENCEPHALOPATHY 42A; EPILEPTIC ENCEPHALOPATHY, EARLY INFANTILE, 42A. Identifiers: MedGen C4310716, MONDO:0014917, OMIM 617106.
Inborn genetic diseases. Identifiers: MedGen C0950123, MeSH D030342.
Episodic ataxia type 2 (EA2). Also called: ACETAZOLAMIDE-RESPONSIVE HEREDITARY PAROXYSMAL CEREBELLAR ATAXIA; ATAXIA, EPISODIC, WITH NYSTAGMUS; ATAXIA, FAMILIAL PAROXYSMAL; CEREBELLAR ATAXIA, PAROXYSMAL, ACETAZOLAMIDE-RESPONSIVE; CEREBELLOPATHY, HEREDITARY PAROXYSMAL; EPISODIC ATAXIA, NYSTAGMUS-ASSOCIATED. Identifiers: Orphanet 97, MedGen C1720416, MONDO:0007163, OMIM 108500.
Spinocerebellar ataxia type 6 (SCA6). Identifiers: Orphanet 98758, MedGen C0752124, MONDO:0008457, OMIM 183086.
Migraine, familial hemiplegic, 1. Also called: MIGRAINE, FAMILIAL HEMIPLEGIC 1, WITH PROGRESSIVE CEREBELLAR ATAXIA. Identifiers: Orphanet 569, MedGen C1832884, MONDO:0020756, OMIM 141500, MONDO:0007714.
Developmental and epileptic encephalopathy, 52 (DEE52). Also called: Epileptic encephalopathy, early infantile, 52. Identifiers: MedGen C4479236, MONDO:0033361, OMIM 617350.
CACNA1A-related disorder. Also called: CACNA1A-related condition.

Submissions (7):

GeneDx
Classification: Pathogenic. Last evaluated: 2025-10-29. Review status: criteria provided, single submitter. Criteria: GeneDx Variant Classification Process June 2021. Collection method: clinical testing. Allele origin: germline. Affected: yes.
Comment: Identified in association with childhood onset ataxia in published literature (PMID: 34445196, 33798445); Not observed at significant frequency in large population cohorts (gnomAD); In silico analysis supports that this missense variant has a deleterious effect on protein structure/function; This variant is associated with the following publications: (PMID: 35722745, 31785789, 29165669, 19344873, 34445196, 35982159, 33057194, 33798445)

CeGaT Center for Human Genetics Tuebingen
Classification: Pathogenic. Last evaluated: 2025-07-01. Review status: criteria provided, single submitter. Criteria: CeGaT Center For Human Genetics Tuebingen Variant Classification Criteria Version 2. Collection method: clinical testing. Allele origin: germline. Affected: yes. Observed: 1 variant allele.
Comment: CACNA1A: PS2, PM2, PS4:Moderate, PP2, PP3

Department of Human Genetics, Hannover Medical School
Classification: Likely pathogenic for Developmental and epileptic encephalopathy, 42. Last evaluated: 2024-06-12. Review status: criteria provided, single submitter. Criteria: ACMG Guidelines, 2015. Collection method: clinical testing. Allele origin: germline. Affected: yes.

Ambry Genetics
Classification: Pathogenic for Inborn genetic diseases. Last evaluated: 2024-06-10. Review status: criteria provided, single submitter. Criteria: Ambry Variant Classification Scheme 2023. Collection method: clinical testing. Allele origin: germline.
Comment: The c.4900G>A (p.D1634N) alteration is located in coding exon 31 of the CACNA1A gene. This alteration results from a G to A substitution at nucleotide position 4900, causing the aspartic acid (D) at amino acid position 1634 to be replaced by an asparagine (N). ; however, it is unlikely to be causative of CACN1A-related spinocerebellar ataxia. This variant was not reported in population-based cohorts in the Genome Aggregation Database (gnomAD). This variant has been determined to be the result of a de novo mutation or reported as heterozygous in multiple individuals with features consistent with episodic ataxia, type 2 and CACNA1A-related neurologic disorders (Galatolo, 2021; Courage, 2021; Lipman, 2022; DECIPHER). This amino acid position is highly conserved in available vertebrate species. This missense alteration is located in a region that has a low rate of benign missense variation (Lek, 2016; Firth, 2009). The in silico prediction for this alteration is inconclusive. Based on the available evidence, this alteration is classified as pathogenic.

Wendy Chung Laboratory, Boston Children's Hospital
Classification: Likely pathogenic for Developmental and epileptic encephalopathy, 52; Episodic ataxia type 2; Migraine, familial hemiplegic, 1; Spinocerebellar ataxia type 6. Last evaluated: 2022-03-20. Review status: criteria provided, single submitter. Criteria: ACMG Guidelines, 2015. Collection method: clinical testing. Allele origin: de novo. Affected: yes.

Molecular Medicine for Neurodegenerative and Neuromuscular Diseases Unit, IRCCS Fondazione Stella Maris
Classification: Pathogenic for Episodic ataxia type 2. Last evaluated: 2021-01-04. Review status: criteria provided, single submitter. Criteria: ACMG Guidelines, 2015. Collection method: research. Allele origin: de novo. Affected: yes.

Illumina Laboratory Services, Illumina
Classification: Likely pathogenic for CACNA1A-related disorders. Last evaluated: 2020-01-24. Review status: criteria provided, single submitter. Criteria: ICSLVariantClassificationCriteria RUGD 01 April 2020. Collection method: clinical testing. Allele origin: unknown.
Comment: The CACNA1A c.4900G>A (p.Asp1634Asn) variant is a missense variant. It is reported as a de novo variant, though without confirmed parentage, in one individual in the DECIPHER database (Firth et al. 2009, patient 259278). The reported phenotype of this individual is consistent with CACNA1A-related disorders and includes global developmental delay, intellectual disability, sleep disturbance, unsteady gait, falls, behavioral abnormalities, brachycephaly, strabismus, and bilateral single transverse palmar creases. The p.Asp1634Asn variant has also been identified by clinical laboratories in individuals with neurodevelopmental phenotypes consistent with CACNA1A-related disorders and submitted to the ClinVar database (Landrum et al. 2018); however these cases are not reported in the published literature and clinical details are limited. This variant is not found in the Genome Aggregation Database in a region of good sequencing coverage, so the variant is presumed to be rare. The p.Asp1634Asn variant occurs at a conserved residue in the S3 transmembrane segment of domain IV of the voltage-dependent P/Q-type calcium channel subunit alpha-1A protein, though the function of this region is unknown. In silico predictions suggest a damaging consequence, however this has not been evaluated experimentally. Based on the collective evidence and the application of ACMG criteria, the p.Asp1634Asn variant is classified as likely pathogenic for CACNA1A-related disorders.

Literature cited by the submitters: PubMed 33798445 (cited by Ambry Genetics); PubMed 34445196 (cited by Ambry Genetics); PubMed 35722745 (cited by Ambry Genetics); PubMed 19344873 (cited by Illumina Laboratory Services, Illumina); PubMed 29165669 (cited by Illumina Laboratory Services, Illumina).

NM_001127222.2(CACNA1A):c.4897G>A (p.Asp1633Asn)

Gene: CACNA1A (calcium voltage-gated channel subunit alpha1 A; minus strand). Cytogenetic location: 19p13.13.
Variant type: single nucleotide variant.
Coding change: c.4897G>A on transcript NM_001127222.2 (MANE Select); coding-DNA position 4897, G replaced by A.
Protein change: p.Asp1633Asn; replaces aspartic acid 1633 with asparagine.
Molecular consequence: missense variant.
Genome position (GRCh38, 1-based): chr19:13,245,235, C>T on the plus strand (G>A on the coding strand, the complement: CACNA1A is on the minus strand). VCF-style: chr19-13245235-C-T. GRCh37 (hg19) VCF-style: chr19-13356049-C-T.
Other names: c.4909G>A, p.Asp1637Asn (NM_000068.4, NM_023035.3); c.4900G>A, p.Asp1634Asn (NM_001127221.2, NM_001174080.2); short protein forms D1634N, D1633N, D1637N.
Identifiers: ClinVar variation 449943 (VCV000449943.24), dbSNP rs1555740805, ClinGen allele CA404337971.